The following is an entry in ClinVar:

ClinVar aggregate classification (germline): Likely benign. Review status: criteria provided, multiple submitters, no conflicts (2 of 4 stars). 3 submissions from 3 submitters: Likely benign (2). 1 of the submissions does not count toward it. Last evaluated 2022-08-02.

Conditions:
FLI1-related disorder. Also called: FLI1-related condition.

Allele frequency attached by ClinVar (database versions not stated): 1000 Genomes Project 0.00040; 1000 Genomes Project 30x 0.00047; gnomAD 0.00001 and 0.00012; TOPMed 0.00003; gnomAD exomes 0.00026; ExAC 0.00030.
gnomAD v4.1: 223 of 1,613,328 alleles (0.014%); highest among the groups gnomAD compares: South Asian, 0.23%; 1 homozygote.

Submissions (3):

Blueprint Genetics
Classification: Likely benign. Last evaluated: 2022-08-02. Review status: criteria provided, single submitter. Criteria: ACMG Guidelines, 2015. Collection method: clinical testing. Allele origin: germline.

Labcorp Genetics (formerly Invitae), Labcorp
Classification: Likely benign. Last evaluated: 2018-07-20. Review status: criteria provided, single submitter. Criteria: Invitae Variant Classification Sherloc (09022015). Collection method: clinical testing. Allele origin: germline.

PreventionGenetics, part of Exact Sciences
Classification: Likely benign for FLI1-related condition. Last evaluated: 2021-03-25. Review status: no assertion criteria provided. Collection method: clinical testing. Allele origin: germline. Not counted in ClinVar's aggregate classification.
Comment: This variant is classified as likely benign based on ACMG/AMP sequence variant interpretation guidelines (Richards et al. 2015 PMID: 25741868, with internal and published modifications).

NM_002017.5(FLI1):c.654A>G (p.Glu218=)

Gene: FLI1 (Fli-1 proto-oncogene, ETS transcription factor; plus strand). Cytogenetic location: 11q24.3.
Variant type: single nucleotide variant.
Coding change: c.654A>G on transcript NM_002017.5 (MANE Select); coding-DNA position 654, A replaced by G.
Protein change: p.Glu218=; no amino-acid change (glutamic acid 218 retained).
Molecular consequence: synonymous variant.
Genome position (GRCh38, 1-based): chr11:128,782,022, A>G. VCF-style: chr11-128782022-A-G. GRCh37 (hg19) VCF-style: chr11-128651917-A-G.
Other names: c.555A>G, p.Glu185= (NM_001167681.3); c.456A>G, p.Glu152= (NM_001271010.2); c.75A>G, p.Glu25= (NM_001271012.2).
Identifiers: ClinVar variation 764890 (VCV000764890.6), dbSNP rs374117160, ClinGen allele CA6357186.